The following is an entry in ClinVar:

ClinVar aggregate classification (germline): Uncertain significance. Review status: criteria provided, multiple submitters, no conflicts (2 of 4 stars). 4 submissions from 4 submitters: Uncertain significance (4). Last evaluated 2025-12-16.

Conditions:
Juvenile polyposis syndrome (JPS). Identifiers: Orphanet 2929, MedGen C0345893, MONDO:0017380, OMIM 174900.
Hereditary cancer-predisposing syndrome. Also called: Tumor predisposition; Neoplastic Syndromes, Hereditary; Hereditary neoplastic syndrome; Hereditary Cancer Syndrome. Identifiers: Orphanet 140162, MedGen C0027672, MeSH D009386, MONDO:0015356.
Familial thoracic aortic aneurysm and aortic dissection (TAAD). Also called: Thoracic aortic aneurysms and dissections. Identifiers: Orphanet 91387, MedGen C4707243, MONDO:0019625.
Juvenile polyposis/hereditary hemorrhagic telangiectasia syndrome (JPHT). Also called: Juvenile Polyposis Syndrome / Hereditary Hemorrhagic Telangiectasia (JPS/HHT); JP/HHT SYNDROME; JUVENILE POLYPOSIS WITH HEREDITARY HEMORRHAGIC TELANGIECTASIA; POLYPOSIS, GENERALIZED JUVENILE, WITH PULMONARY ARTERIOVENOUS MALFORMATION; TELANGIECTASIA, HEREDITARY HEMORRHAGIC, WITH JUVENILE POLYPOSIS COLI. Identifiers: Orphanet 2929, MedGen C1832942, MONDO:0008278, OMIM 175050.

Allele frequency attached by ClinVar (database versions not stated): gnomAD exomes below 0.00001.
gnomAD v4.1: 2 of 1,607,136 alleles (0.00012%); highest among the groups gnomAD compares: Non-Finnish European, 0.000085%; no homozygotes.

Submissions (4):

Labcorp Genetics (formerly Invitae), Labcorp
Classification: Uncertain significance for Juvenile polyposis syndrome. Last evaluated: 2025-12-16. Review status: criteria provided, single submitter. Criteria: Invitae Variant Classification Sherloc (09022015). Collection method: clinical testing. Allele origin: germline.
Comment: This sequence change replaces isoleucine, which is neutral and non-polar, with valine, which is neutral and non-polar, at codon 482 of the SMAD4 protein (p.Ile482Val). This variant is present in population databases (no rsID available, gnomAD 0.0009%). This variant has not been reported in the literature in individuals affected with SMAD4-related conditions. ClinVar contains an entry for this variant (Variation ID: 221073). Invitae Evidence Modeling of protein sequence and biophysical properties (such as structural, functional, and spatial information, amino acid conservation, physicochemical variation, residue mobility, and thermodynamic stability) has been performed for this missense variant. However, the output from this modeling did not meet the statistical confidence thresholds required to predict the impact of this variant on SMAD4 protein function. In summary, the available evidence is currently insufficient to determine the role of this variant in disease. Therefore, it has been classified as a Variant of Uncertain Significance.

Ambry Genetics
Classification: Uncertain significance for Hereditary cancer-predisposing syndrome; Familial thoracic aortic aneurysm and aortic dissection. Last evaluated: 2025-08-01. Review status: criteria provided, single submitter. Criteria: Ambry Variant Classification Scheme 2023. Collection method: clinical testing. Allele origin: germline.
Comment: The p.I482V variant (also known as c.1444A>G), located in coding exon 10 of the SMAD4 gene, results from an A to G substitution at nucleotide position 1444. The isoleucine at codon 482 is replaced by valine, an amino acid with highly similar properties. This amino acid position is highly conserved in available vertebrate species. In addition, the in silico prediction for this alteration is inconclusive. Since supporting evidence is limited at this time, the clinical significance of this alteration remains unclear.

All of Us Research Program, National Institutes of Health
Classification: Uncertain significance for Juvenile polyposis/hereditary hemorrhagic telangiectasia syndrome. Last evaluated: 2023-12-18. Review status: criteria provided, single submitter. Criteria: ACMG Guidelines, 2015. Collection method: clinical testing. Allele origin: germline. Inheritance: Autosomal dominant inheritance. Observed: 2 variant alleles, 2 heterozygotes.
Comment: This missense variant replaces isoleucine with valine at codon 482 of the SMAD4 protein. Computational prediction suggests that this variant may not impact protein structure and function (internally defined REVEL score threshold <= 0.5, PMID: 27666373). To our knowledge, functional studies have not been reported for this variant. This variant has not been reported in individuals affected with SMAD4-related disorders in the literature. This variant has been identified in 1/248472 chromosomes in the general population by the Genome Aggregation Database (gnomAD). The available evidence is insufficient to determine the role of this variant in disease conclusively. Therefore, this variant is classified as a Variant of Uncertain Significance.

This study involves interpretation of variants in research participants for the purpose of population health screening. Participant phenotype was not available at the time of variant classification. Additional details can be found in publication PMID: 35346344, PMCID: PMC8962531

Color Diagnostics, LLC DBA Color Health
Classification: Uncertain significance for Hereditary cancer-predisposing syndrome. Last evaluated: 2023-11-10. Review status: criteria provided, single submitter. Criteria: ACMG Guidelines, 2015. Collection method: clinical testing. Allele origin: germline.
Comment: This missense variant replaces isoleucine with valine at codon 482 of the SMAD4 protein. Computational prediction suggests that this variant may not impact protein structure and function. To our knowledge, functional studies have not been reported for this variant. This variant has not been reported in individuals affected with SMAD4-related disorders in the literature. This variant has been identified in 1/248472 chromosomes in the general population by the Genome Aggregation Database (gnomAD). The available evidence is insufficient to determine the role of this variant in disease conclusively. Therefore, this variant is classified as a Variant of Uncertain Significance.

NM_005359.6(SMAD4):c.1444A>G (p.Ile482Val)

Gene: SMAD4 (SMAD family member 4; plus strand). Cytogenetic location: 18q21.2.
Variant type: single nucleotide variant.
Coding change: c.1444A>G on transcript NM_005359.6 (MANE Select); coding-DNA position 1444, A replaced by G.
Protein change: p.Ile482Val; replaces isoleucine 482 with valine.
Molecular consequence: missense variant.
Genome position (GRCh38, 1-based): chr18:51,076,773, A>G. VCF-style: chr18-51076773-A-G. GRCh37 (hg19) VCF-style: chr18-48603143-A-G.
Other names: short protein forms I482V.
Identifiers: ClinVar variation 221073 (VCV000221073.16), dbSNP rs864622736, ClinGen allele CA349953.